The following is an entry in ClinVar:

ClinVar aggregate classification (germline): Likely benign. Review status: criteria provided, single submitter (1 of 4 stars). 2 submissions from 2 submitters: Likely benign (1). 1 of the submissions does not count toward it. Last evaluated 2018-01-25.

Conditions:
ARHGEF4-related disorder. Also called: ARHGEF4-related condition.

Allele frequency attached by ClinVar (database versions not stated): TOPMed 0.00011; gnomAD 0.00013.
gnomAD v4.1: 88 of 1,601,776 alleles (0.0055%); highest among the groups gnomAD compares: Middle Eastern, 0.049%; no homozygotes.

Submissions (2):

Labcorp Genetics (formerly Invitae), Labcorp
Classification: Likely benign. Last evaluated: 2018-01-25. Review status: criteria provided, single submitter. Criteria: Invitae Variant Classification Sherloc (09022015). Collection method: clinical testing. Allele origin: germline.

PreventionGenetics, part of Exact Sciences
Classification: Likely benign for ARHGEF4-related condition. Last evaluated: 2019-12-12. Review status: no assertion criteria provided. Collection method: clinical testing. Allele origin: germline. Not counted in ClinVar's aggregate classification.
Comment: This variant is classified as likely benign based on ACMG/AMP sequence variant interpretation guidelines (Richards et al. 2015 PMID: 25741868, with internal and published modifications).

NM_001367493.1(ARHGEF4):c.4365A>G (p.Gly1455=)

Gene: ARHGEF4 (Rho guanine nucleotide exchange factor 4; plus strand). Cytogenetic location: 2q21.1.
Variant type: single nucleotide variant.
Coding change: c.4365A>G on transcript NM_001367493.1 (MANE Select); coding-DNA position 4365, A replaced by G.
Protein change: p.Gly1455=; no amino-acid change (glycine 1455 retained).
Molecular consequence: synonymous variant.
Genome position (GRCh38, 1-based): chr2:131,040,075, A>G. VCF-style: chr2-131040075-A-G. GRCh37 (hg19) VCF-style: chr2-131797648-A-G.
Other names: c.852A>G, p.Gly284= (NM_001375900.1); c.696A>G, p.Gly232= (NM_001375901.1); c.654A>G, p.Gly218= (NM_001375902.1); c.597A>G, p.Gly199= (NM_001375903.1); c.438A>G, p.Gly146= (NM_001375904.1); c.807A>G, p.Gly269= (NM_015320.4).
Identifiers: ClinVar variation 722926 (VCV000722926.5), dbSNP rs751335828, ClinGen allele CA1875124.
Genomic context (GRCh38, chr2:131,040,075, plus strand): 5'-GCTGAGGGTGAATCAGGACGAGCCCGCGGATGACGACGCCCCTCTGGCCGGGAACAGCGG[A>G]GCGGAGGACGGCGGGGCGGAGGCGCAGAGCAGCAAGGACCAGATGCGGACCAACGTCATC-3'
Protein context (NP_001354422.1, residues 1445-1465): DDDAPLAGNS[Gly1455=]AEDGGAEAQS